The following is an entry in ClinVar:

NM_000051.4(ATM):c.6388_6392del (p.Asn2130fs)

Genes: ATM (ATM serine/threonine kinase; plus strand), C11orf65 (chromosome 11 open reading frame 65; minus strand). Cytogenetic location: 11q22.3.
Variant type: Deletion.
Coding change: c.6388_6392del on transcript NM_000051.4 (MANE Select); coding-DNA positions 6388 to 6392, 5 bases deleted (AATGC; older notation c.6388_6392delAATGC).
Protein change: p.Asn2130fs; shifts the reading frame from asparagine 2130.
Molecular consequence: frameshift variant. On other transcripts: intron variant (2).
Genome position (GRCh38, 1-based): chr11:108,319,994-108,319,998, AATGC deleted; deleting any 5 consecutive bases within chr11:108,319,993-108,319,998 gives the same sequence; the c. name uses the placement nearest the transcript's 3' end. VCF-style (leftmost placement, unchanged base first): chr11-108319992-ACAATG-A. GRCh37 (hg19) VCF-style: chr11-108190719-ACAATG-A.
Other names: c.6388_6392del, p.Asn2130fs (NM_001351834.2); c.641-10926_641-10922del (NM_001330368.2); c.*39-10926_*39-10922del (NM_001351110.2); short protein forms N2130fs.
Identifiers: ClinVar variation 1075306 (VCV001075306.8), dbSNP rs2136220112, ClinGen allele CA2499220684.

ClinVar aggregate classification (germline): Pathogenic (1 of 4 stars; one submission).

Conditions:
Ataxia-telangiectasia syndrome (AT). Also called: Ataxia telangiectasia (A-T); ATAXIA-TELANGIECTASIA, COMPLEMENTATION GROUP A; ATAXIA-TELANGIECTASIA, FRESNO VARIANT; Ataxia-telangiectasia; Ataxia-telangiectasia, complementation group E; LOUIS-BAR SYNDROME. Identifiers: Orphanet 100, MedGen C0004135, MONDO:0008840, OMIM 208900.

Submission:

Labcorp Genetics (formerly Invitae), Labcorp
Classification: Pathogenic for Ataxia-telangiectasia syndrome. Last evaluated: 2024-04-10. Review status: criteria provided, single submitter. Criteria: Invitae Variant Classification Sherloc (09022015). Collection method: clinical testing. Allele origin: germline.
Comment: This sequence change creates a premature translational stop signal (p.Asn2130Serfs*14) in the ATM gene. It is expected to result in an absent or disrupted protein product. Loss-of-function variants in ATM are known to be pathogenic (PMID: 23807571, 25614872). This variant is not present in population databases (gnomAD no frequency). This variant has not been reported in the literature in individuals affected with ATM-related conditions. ClinVar contains an entry for this variant (Variation ID: 1075306). Algorithms developed to predict the effect of sequence changes on RNA splicing suggest that this variant may disrupt the consensus splice site. For these reasons, this variant has been classified as Pathogenic.

Literature cited by the submitters: PubMed 23807571; PubMed 25614872.